The following is an entry in ClinVar:

NM_015378.4(VPS13D):c.12363G>A (p.Gly4121=)

Gene: VPS13D (vacuolar protein sorting 13 homolog D; plus strand). Cytogenetic location: 1p36.22.
Variant type: single nucleotide variant.
Coding change: c.12363G>A on transcript NM_015378.4 (MANE Select); coding-DNA position 12363, G replaced by A.
Protein change: p.Gly4121=; no amino-acid change (glycine 4121 retained).
Molecular consequence: synonymous variant.
Genome position (GRCh38, 1-based): chr1:12,456,027, G>A. VCF-style: chr1-12456027-G-A. GRCh37 (hg19) VCF-style: chr1-12516083-G-A.
Other names: p.Gly4121=; c.12288G>A, p.Gly4096= (NM_018156.4).
Identifiers: ClinVar variation 4684668 (VCV004684668.1).

ClinVar aggregate classification (germline): Likely benign (1 of 4 stars; one submission).

gnomAD v4.1: 2 of 1,613,302 alleles (0.00012%); highest among the groups gnomAD compares: Non-Finnish European, 0.00017%; no homozygotes.

Submission:

Mayo Clinic Laboratories, Mayo Clinic
Classification: Likely benign. Last evaluated: 2025-07-14. Review status: criteria provided, single submitter. Criteria: ACMG Guidelines, 2015. Collection method: clinical testing. Allele origin: germline. Observed: 1 variant allele.
Comment: BP4, BP7